The following is an entry in ClinVar:

ClinVar aggregate classification (germline): Uncertain significance. Review status: criteria provided, multiple submitters, no conflicts (2 of 4 stars). 2 submissions from 2 submitters: Uncertain significance (2). Last evaluated 2026-02-04.

Conditions:
Osteogenesis imperfecta type I (OI1). Also called: Lobstein's Disease; OI, TYPE I; OSTEOGENESIS IMPERFECTA TARDA; OSTEOGENESIS IMPERFECTA WITH BLUE SCLERAE; Osteogenesis imperfecta type 1; Classic Non-deforming Osteogenesis Imperfecta with Blue Sclerae. Identifiers: Orphanet 216796, Orphanet 666, MedGen C0023931, MONDO:0008146, OMIM 166200. Disease mechanism: loss of function.
Cardiovascular phenotype. Identifiers: MedGen CN230736.

Allele frequency attached by ClinVar (database versions not stated): TOPMed 0.00001; gnomAD exomes 0.00002.
gnomAD v4.1: 26 of 1,611,578 alleles (0.0016%); highest among the groups gnomAD compares: East Asian, 0.0022%; no homozygotes.

Submissions (2):

Ambry Genetics
Classification: Uncertain significance for Cardiovascular phenotype. Last evaluated: 2026-02-04. Review status: criteria provided, single submitter. Criteria: Ambry Variant Classification Scheme 2023. Collection method: clinical testing. Allele origin: germline.
Comment: The p.R994C variant (also known as c.2980C>T), located in coding exon 41 of the COL1A1 gene, results from a C to T substitution at nucleotide position 2980. The arginine at codon 994 is replaced by cysteine, an amino acid with highly dissimilar properties. This variant was reported in individual(s) with features consistent with Ehlers-Danlos syndrome (Weerakkody RA et al. Genet Med, 2016 Nov;18:1119-1127). This amino acid position is highly conserved in available vertebrate species. In addition, this alteration is predicted to be deleterious by in silico analysis. Based on the available evidence, the clinical significance of this variant remains unclear.

Labcorp Genetics (formerly Invitae), Labcorp
Classification: Uncertain significance for Osteogenesis imperfecta type I. Last evaluated: 2024-08-20. Review status: criteria provided, single submitter. Criteria: Invitae Variant Classification Sherloc (09022015). Collection method: clinical testing. Allele origin: germline.
Comment: This sequence change replaces arginine, which is basic and polar, with cysteine, which is neutral and slightly polar, at codon 994 of the COL1A1 protein (p.Arg994Cys). This variant is not present in population databases (gnomAD no frequency). This variant has not been reported in the literature in individuals affected with COL1A1-related conditions. Invitae Evidence Modeling of protein sequence and biophysical properties (such as structural, functional, and spatial information, amino acid conservation, physicochemical variation, residue mobility, and thermodynamic stability) indicates that this missense variant is expected to disrupt COL1A1 protein function with a positive predictive value of 95%. In summary, the available evidence is currently insufficient to determine the role of this variant in disease. Therefore, it has been classified as a Variant of Uncertain Significance.

Literature cited by the submitters: PubMed 27011056 (cited by Ambry Genetics).

NM_000088.4(COL1A1):c.2980C>T (p.Arg994Cys)

Gene: COL1A1 (collagen type I alpha 1 chain; minus strand). Cytogenetic location: 17q21.33.
Variant type: single nucleotide variant.
Coding change: c.2980C>T on transcript NM_000088.4 (MANE Select); coding-DNA position 2980, C replaced by T.
Protein change: p.Arg994Cys; replaces arginine 994 with cysteine.
Molecular consequence: missense variant.
Genome position (GRCh38, 1-based): chr17:50,188,968, G>A on the plus strand (C>T on the coding strand, the complement: COL1A1 is on the minus strand). VCF-style: chr17-50188968-G-A. GRCh37 (hg19) VCF-style: chr17-48266329-G-A.
Other names: short protein forms R994C.
Identifiers: ClinVar variation 2990947 (VCV002990947.4), dbSNP rs1299221919, ClinGen allele CA400204063.